The following is an entry in ClinVar:

ClinVar aggregate classification (germline): Uncertain significance (1 of 4 stars; one submission).

Conditions:
Nephronophthisis 18 (NPHP18). Identifiers: Orphanet 655, MedGen C3890591, MONDO:0014374, OMIM 615862.

Submission:

Labcorp Genetics (formerly Invitae), Labcorp
Classification: Uncertain significance for Nephronophthisis 18. Last evaluated: 2024-10-24. Review status: criteria provided, single submitter. Criteria: Invitae Variant Classification Sherloc (09022015). Collection method: clinical testing. Allele origin: germline.
Comment: This sequence change falls in intron 8 of the CEP83 gene. It does not directly change the encoded amino acid sequence of the CEP83 protein. It affects a nucleotide within the consensus splice site. This variant is not present in population databases (gnomAD no frequency). This variant has not been reported in the literature in individuals affected with CEP83-related conditions. ClinVar contains an entry for this variant (Variation ID: 2199129). Variants that disrupt the consensus splice site are a relatively common cause of aberrant splicing (PMID: 17576681, 9536098). Algorithms developed to predict the effect of sequence changes on RNA splicing suggest that this variant is not likely to affect RNA splicing. In summary, the available evidence is currently insufficient to determine the role of this variant in disease. Therefore, it has been classified as a Variant of Uncertain Significance.

Literature cited by the submitters: PubMed 17576681; PubMed 9536098.

NM_016122.3(CEP83):c.933+4A>C

Gene: CEP83 (centrosomal protein 83; minus strand). Cytogenetic location: 12q22.
Variant type: single nucleotide variant.
Coding change: c.933+4A>C on transcript NM_016122.3 (MANE Select); 4 bases into the intron after coding-DNA position 933, A replaced by C.
Molecular consequence: intron variant.
Genome position (GRCh38, 1-based): chr12:94,375,882, T>G on the plus strand (A>C on the coding strand, the complement: CEP83 is on the minus strand). VCF-style: chr12-94375882-T-G. GRCh37 (hg19) VCF-style: chr12-94769658-T-G.
Other names: c.933+4A>C (NM_001346457.2, NM_001042399.2, NM_001368038.1 and 3 more transcripts); c.621+4A>C (NM_001346459.2, NM_001346458.2, NM_001368040.1 and 2 more transcripts); c.708+4A>C (NM_001368041.1); c.396+4A>C (NM_001368042.1).
Identifiers: ClinVar variation 2199129 (VCV002199129.4), dbSNP rs1051613696, ClinGen allele CA242062841.
Genomic context (GRCh38, chr12:94,375,882, plus strand): 5'-AAAATTTATCATTATATACTAACAAACATTCTAAAGAATGAAACAGAAACATAAAACAAC[T>G]TACTTTACTGGACAATGTATTTATTTCTCGTTCAGCTTTATGCAATTTATTAATTAAAAA-3'